The following is an entry in ClinVar:

ClinVar aggregate classification (germline): Uncertain significance (1 of 4 stars; one submission).

gnomAD v4.1: 7 of 1,614,028 alleles (0.00043%); highest among the groups gnomAD compares: African/African-American, 0.0027%; no homozygotes.

Submission:

GeneDx
Classification: Uncertain significance. Last evaluated: 2024-04-11. Review status: criteria provided, single submitter. Criteria: GeneDx Variant Classification Process June 2021. Collection method: clinical testing. Allele origin: germline. Affected: yes.
Comment: In silico analysis supports that this missense variant has a deleterious effect on protein structure/function; Has not been previously published as pathogenic or benign to our knowledge

NM_004817.4(TJP2):c.1957G>A (p.Glu653Lys)

Gene: TJP2 (tight junction protein 2; plus strand). Cytogenetic location: 9q21.11.
Variant type: single nucleotide variant.
Coding change: c.1957G>A on transcript NM_004817.4 (MANE Select); coding-DNA position 1957, G replaced by A.
Protein change: p.Glu653Lys; replaces glutamic acid 653 with lysine.
Molecular consequence: missense variant.
Genome position (GRCh38, 1-based): chr9:69,236,204, G>A. VCF-style: chr9-69236204-G-A. GRCh37 (hg19) VCF-style: chr9-71851120-G-A.
Other names: c.1888G>A, p.Glu630Lys (NM_001170414.2, NM_001369871.1); c.1969G>A, p.Glu657Lys (NM_001170415.1, NM_001369874.1, NM_001369875.1); c.2050G>A, p.Glu684Lys (NM_001170416.2); c.1882G>A, p.Glu628Lys (NM_001369870.1); c.1957G>A, p.Glu653Lys (NM_001369872.1, NM_001369873.1, NM_201629.3); short protein forms E628K, E630K, E653K, E657K, E684K.
Identifiers: ClinVar variation 3372366 (VCV003372366.1).